The following is an entry in ClinVar:

NM_030962.4(SBF2):c.783G>T (p.Gln261His)

Gene: SBF2 (SET binding factor 2; minus strand). Cytogenetic location: 11p15.4.
Variant type: single nucleotide variant.
Coding change: c.783G>T on transcript NM_030962.4 (MANE Select); coding-DNA position 783, G replaced by T.
Protein change: p.Gln261His; replaces glutamine 261 with histidine.
Molecular consequence: missense variant.
Genome position (GRCh38, 1-based): chr11:10,000,992, C>A on the plus strand (G>T on the coding strand, the complement: SBF2 is on the minus strand). VCF-style: chr11-10000992-C-A. GRCh37 (hg19) VCF-style: chr11-10022539-C-A.
Other names: c.783G>T, p.Gln261His (NM_001386339.1, NM_001386342.1); short protein forms Q261H.
Identifiers: ClinVar variation 569912 (VCV000569912.10), dbSNP rs759932929, ClinGen allele CA5882008.
Genomic context (GRCh38, chr11:10,000,992, plus strand): 5'-TTTAAAGACAGAATGTACTCCAATAATGAAAGGCGTTGGGGAACTTAGAACTTCCAGTAG[C>A]TGAGCCGGGAGAATAGGGATATAAGGATAACTGGAAATAATAAAAATATGCGTCAAATAT-3'
Protein context (NP_112224.1, residues 251-271): SYPYIPILPA[Gln261His]LLEVLSSPTP

ClinVar aggregate classification (germline): Uncertain significance (1 of 4 stars; one submission).

Conditions:
Charcot-Marie-Tooth disease type 4. Also called: Charcot-Marie-Tooth, Type 4; Charcot-Marie-Tooth disease, type IV. Identifiers: Orphanet 64749, MedGen C4082197, MONDO:0018995.

Allele frequency attached by ClinVar (database versions not stated): TOPMed 0.00002; gnomAD exomes 0.00006 and 0.00008; ExAC 0.00010.
gnomAD v4.1: 96 of 1,601,254 alleles (0.006%); highest among the groups gnomAD compares: South Asian, 0.039%; 1 homozygote.

Submission:

Labcorp Genetics (formerly Invitae), Labcorp
Classification: Uncertain significance for Charcot-Marie-Tooth disease type 4. Last evaluated: 2026-01-12. Review status: criteria provided, single submitter. Criteria: Invitae Variant Classification Sherloc (09022015). Collection method: clinical testing. Allele origin: germline.
Comment: This sequence change replaces glutamine, which is neutral and polar, with histidine, which is basic and polar, at codon 261 of the SBF2 protein (p.Gln261His). This variant is present in population databases (rs759932929, gnomAD 0.05%), including at least one homozygous and/or hemizygous individual. This variant has not been reported in the literature in individuals affected with SBF2-related conditions. ClinVar contains an entry for this variant (Variation ID: 569912). Invitae Evidence Modeling of protein sequence and biophysical properties (such as structural, functional, and spatial information, amino acid conservation, physicochemical variation, residue mobility, and thermodynamic stability) indicates that this missense variant is not expected to disrupt SBF2 protein function with a negative predictive value of 80%. In summary, the available evidence is currently insufficient to determine the role of this variant in disease. Therefore, it has been classified as a Variant of Uncertain Significance.